The following is an entry in ClinVar:

ClinVar aggregate classification (germline): Uncertain significance (1 of 4 stars; one submission).

Submission:

CeGaT Center for Human Genetics Tuebingen
Classification: Uncertain significance. Last evaluated: 2022-06-01. Review status: criteria provided, single submitter. Criteria: CeGaT Center For Human Genetics Tuebingen Variant Classification Criteria Version 2. Collection method: clinical testing. Allele origin: germline. Affected: yes. Observed: 1 variant allele.
Comment: KIF1C: PM2

NM_006612.6(KIF1C):c.3291G>C (p.Lys1097Asn)

Gene: KIF1C (kinesin family member 1C; plus strand). Cytogenetic location: 17p13.2.
Variant type: single nucleotide variant.
Coding change: c.3291G>C on transcript NM_006612.6 (MANE Select); coding-DNA position 3291, G replaced by C.
Protein change: p.Lys1097Asn; replaces lysine 1097 with asparagine.
Molecular consequence: missense variant.
Genome position (GRCh38, 1-based): chr17:5,024,130, G>C. VCF-style: chr17-5024130-G-C. GRCh37 (hg19) VCF-style: chr17-4927425-G-C.
Other names: short protein forms K1097N.
Identifiers: ClinVar variation 2647288 (VCV002647288.24), dbSNP rs2508223365, ClinGen allele CA397321502.